The following is an entry in ClinVar:

NM_001384474.1(LOXHD1):c.4740+21G>A

Gene: LOXHD1 (lipoxygenase homology PLAT domains 1; minus strand). Cytogenetic location: 18q21.1.
Variant type: single nucleotide variant.
Coding change: c.4740+21G>A on transcript NM_001384474.1 (MANE Select); 21 bases into the intron after coding-DNA position 4740, G replaced by A.
Molecular consequence: intron variant.
Genome position (GRCh38, 1-based): chr18:46,524,687, C>T on the plus strand (G>A on the coding strand, the complement: LOXHD1 is on the minus strand). VCF-style: chr18-46524687-C-T. GRCh37 (hg19) VCF-style: chr18-44104650-C-T.
Other names: c.1407+21G>A (NM_001145472.3); c.1119+21G>A (NM_001308013.2); c.4740+21G>A (NM_144612.7).
Identifiers: ClinVar variation 682778 (VCV000682778.5), dbSNP rs12604163, ClinGen allele CA8952301.
Genomic context (GRCh38, chr18:46,524,687, plus strand): 5'-TTGCAGCTCCAGCACCTCCACCTCGAGGGACCTCCCCTAGGCATGAGGATGGCCACAGGC[C>T]CTATATACCCCTTGGCTCACCTTCTCGTAAAAGAGCCTCTCGAGTCGCCCATCCTCCTTC-3'

ClinVar aggregate classification (germline): Benign. Review status: criteria provided, multiple submitters, no conflicts (2 of 4 stars). 3 submissions from 3 submitters: Benign (3). Last evaluated 2021-07-10.

Conditions:
Autosomal recessive nonsyndromic hearing loss 77. Identifiers: Orphanet 90636, MedGen C2746083, MONDO:0013119, OMIM 613079.

Allele frequency attached by ClinVar (database versions not stated): 1000 Genomes Project 30x 0.06121; 1000 Genomes Project 0.06230; gnomAD 0.06972 and 0.06997; TOPMed 0.07106; gnomAD exomes 0.07667 and 0.09388; ExAC 0.08458; ESP Exome Variant Server 0.08870.
gnomAD v4.1: 142,049 of 1,551,564 alleles (9.2%); highest among the groups gnomAD compares: Non-Finnish European, 10%; 7,016 homozygotes.

Submissions (3):

Genome-Nilou Lab
Classification: Benign for Autosomal recessive nonsyndromic hearing loss 77. Last evaluated: 2021-07-10. Review status: criteria provided, single submitter. Criteria: ACMG Guidelines, 2015. Collection method: clinical testing. Allele origin: germline. Affected: no.

GeneDx
Classification: Benign. Last evaluated: 2018-06-13. Review status: criteria provided, single submitter. Criteria: GeneDx Variant Classification (06012015). Collection method: clinical testing. Allele origin: germline. Affected: yes.
Comment: This variant is considered likely benign or benign based on one or more of the following criteria: it is a conservative change, it occurs at a poorly conserved position in the protein, it is predicted to be benign by multiple in silico algorithms, and/or has population frequency not consistent with disease.

Breakthrough Genomics
Classification: Benign. Review status: criteria provided, single submitter. Criteria: ACMG Guidelines, 2015. Collection method: not provided. Allele origin: germline. Inheritance: Autosomal recessive inheritance. Affected: yes.